The following is an entry in ClinVar:

ClinVar aggregate classification (germline): Conflicting classifications of pathogenicity. Review status: criteria provided, conflicting classifications (1 of 4 stars). 4 submissions from 4 submitters: Uncertain significance (1); Likely benign (3). Last evaluated 2025-05-26.

Conditions:
Rhabdoid tumor predisposition syndrome 2 (RTPS2). Identifiers: Orphanet 231108, Orphanet 69077, MedGen C2750074, MONDO:0013224, OMIM 613325.
Hereditary cancer-predisposing syndrome. Also called: Hereditary Cancer Syndrome; Hereditary neoplastic syndrome; Neoplastic Syndromes, Hereditary; Tumor predisposition. Identifiers: Orphanet 140162, MedGen C0027672, MeSH D009386, MONDO:0015356.

Submissions (4):

Labcorp Genetics (formerly Invitae), Labcorp
Classification: Likely benign for Rhabdoid tumor predisposition syndrome 2. Last evaluated: 2025-05-26. Review status: criteria provided, single submitter. Criteria: Invitae Variant Classification Sherloc (09022015). Collection method: clinical testing. Allele origin: germline.

GeneDx
Classification: Uncertain significance. Last evaluated: 2023-07-06. Review status: criteria provided, single submitter. Criteria: GeneDx Variant Classification Process June 2021. Collection method: clinical testing. Allele origin: germline. Affected: yes.
Comment: Not observed at significant frequency in large population cohorts (gnomAD); In silico analysis supports that this variant does not alter splicing; Has not been previously published as pathogenic or benign to our knowledge

Ambry Genetics
Classification: Likely benign for Hereditary cancer-predisposing syndrome. Last evaluated: 2020-02-28. Review status: criteria provided, single submitter. Criteria: Ambry Variant Classification Scheme 2023. Collection method: clinical testing. Allele origin: germline.

Blueprint Genetics
Classification: Likely benign. Last evaluated: 2018-11-29. Review status: criteria provided, single submitter. Criteria: ACMG Guidelines, 2015. Collection method: clinical testing. Allele origin: germline.

NM_003072.5(SMARCA4):c.39G>T (p.Arg13=)

Gene: SMARCA4 (SWI/SNF related BAF chromatin remodeling complex subunit ATPase 4; plus strand). Cytogenetic location: 19p13.2.
Variant type: single nucleotide variant.
Coding change: c.39G>T on transcript NM_003072.5 (MANE Select); coding-DNA position 39, G replaced by T.
Protein change: p.Arg13=; no amino-acid change (arginine 13 retained).
Molecular consequence: synonymous variant. On other transcripts: non-coding transcript variant (1).
Genome position (GRCh38, 1-based): chr19:10,984,190, G>T. VCF-style: chr19-10984190-G-T. GRCh37 (hg19) VCF-style: chr19-11094866-G-T.
Other names: c.39G>T, p.Arg13= (NM_001128844.3, NM_001128845.2, NM_001128846.2 and 6 more transcripts).
Identifiers: ClinVar variation 1736885 (VCV001736885.11), dbSNP rs778412274, ClinGen allele CA505487077.